The following is an entry in ClinVar:

NM_020778.5(ALPK3):c.886A>G (p.Ile296Val)

Gene: ALPK3 (alpha kinase 3; plus strand). Cytogenetic location: 15q25.3.
Variant type: single nucleotide variant.
Coding change: c.886A>G on transcript NM_020778.5 (MANE Select); coding-DNA position 886, A replaced by G.
Protein change: p.Ile296Val; replaces isoleucine 296 with valine.
Molecular consequence: missense variant.
Genome position (GRCh38, 1-based): chr15:84,840,165, A>G. VCF-style: chr15-84840165-A-G. GRCh37 (hg19) VCF-style: chr15-85383396-A-G.
Other names: c.1492A>G (NM_020778.4); short protein forms I296V.
Identifiers: ClinVar variation 2165279 (VCV002165279.5), dbSNP rs926807803, ClinGen allele CA273665677.

ClinVar aggregate classification (germline): Uncertain significance. Review status: criteria provided, multiple submitters, no conflicts (2 of 4 stars). 2 submissions from 2 submitters: Uncertain significance (2). Last evaluated 2025-03-25.

Conditions:
Cardiovascular phenotype. Identifiers: MedGen CN230736.

Allele frequency attached by ClinVar (database versions not stated): gnomAD exomes below 0.00001; gnomAD 0.00001; TOPMed 0.00002.
gnomAD v4.1: 5 of 1,613,744 alleles (0.00031%); highest among the groups gnomAD compares: Admixed American, 0.0017%; no homozygotes.

Submissions (2):

Ambry Genetics
Classification: Uncertain significance for Cardiovascular phenotype. Last evaluated: 2025-03-25. Review status: criteria provided, single submitter. Criteria: Ambry Variant Classification Scheme 2023. Collection method: clinical testing. Allele origin: germline.
Comment: The p.I498V variant (also known as c.1492A>G), located in coding exon 5 of the ALPK3 gene, results from an A to G substitution at nucleotide position 1492. The isoleucine at codon 498 is replaced by valine, an amino acid with highly similar properties. This amino acid position is conserved. In addition, this alteration is predicted to be tolerated by in silico analysis. Based on the available evidence, the clinical significance of this variant remains unclear.

Labcorp Genetics (formerly Invitae), Labcorp
Classification: Uncertain significance. Last evaluated: 2025-01-23. Review status: criteria provided, single submitter. Criteria: Invitae Variant Classification Sherloc (09022015). Collection method: clinical testing. Allele origin: germline.
Comment: This sequence change replaces isoleucine, which is neutral and non-polar, with valine, which is neutral and non-polar, at codon 498 of the ALPK3 protein (p.Ile498Val). This variant is present in population databases (no rsID available, gnomAD 0.0009%). This variant has not been reported in the literature in individuals affected with ALPK3-related conditions. ClinVar contains an entry for this variant (Variation ID: 2165279). Invitae Evidence Modeling of protein sequence and biophysical properties (such as structural, functional, and spatial information, amino acid conservation, physicochemical variation, residue mobility, and thermodynamic stability) indicates that this missense variant is not expected to disrupt ALPK3 protein function with a negative predictive value of 80%. In summary, the available evidence is currently insufficient to determine the role of this variant in disease. Therefore, it has been classified as a Variant of Uncertain Significance.